The following is an entry in ClinVar:

ClinVar aggregate classification (germline): Pathogenic/Likely pathogenic. Review status: criteria provided, multiple submitters, no conflicts (2 of 4 stars). 3 submissions from 3 submitters: Pathogenic (1); Likely pathogenic (2). Last evaluated 2026-01-21.

Conditions:
Intellectual developmental disorder with seizures and language delay (IDDSELD). Identifiers: MedGen C5436574, MONDO:0033559, OMIM 619000.
SETD1B-related disorder. Also called: SETD1B-related condition.

Submissions (3):

GeneDx
Classification: Pathogenic. Last evaluated: 2026-01-21. Review status: criteria provided, single submitter. Criteria: GeneDx Variant Classification Process June 2021. Collection method: clinical testing. Allele origin: germline. Affected: yes.
Comment: Not observed at significant frequency in large population cohorts (gnomAD); In silico analysis supports that this missense variant has a deleterious effect on protein structure/function; This variant is associated with the following publications: (PMID: 37540795, 39765123, 34345025)

Laboratoire Génétique Moléculaire, CHRU TOURS
Classification: Likely pathogenic for Intellectual developmental disorder with seizures and language delay. Last evaluated: 2024-12-17. Review status: criteria provided, single submitter. Criteria: ACMG Guidelines, 2015. Collection method: clinical testing. Allele origin: de novo. Affected: yes.
Comment: PS2;PM2;PP3;PP4;PP5

Blueprint Genetics
Classification: Likely pathogenic for SETD1B-related disorders. Last evaluated: 2023-01-12. Review status: criteria provided, single submitter. Criteria: ACMG Guidelines, 2015. Collection method: clinical testing. Allele origin: germline. Affected: yes. Observed: 1 variant allele.

NM_001353345.2(SETD1B):c.5242C>T (p.Arg1748Cys)

Gene: SETD1B (SET domain containing 1B, histone lysine methyltransferase; plus strand). Cytogenetic location: 12q24.31.
Variant type: single nucleotide variant.
Coding change: c.5242C>T on transcript NM_001353345.2 (MANE Select); coding-DNA position 5242, C replaced by T.
Protein change: p.Arg1748Cys; replaces arginine 1748 with cysteine.
Molecular consequence: missense variant.
Genome position (GRCh38, 1-based): chr12:121,825,271, C>T. VCF-style: chr12-121825271-C-T. GRCh37 (hg19) VCF-style: chr12-122263177-C-T.
Other names: short protein forms R1748C.
Identifiers: ClinVar variation 2506815 (VCV002506815.6), dbSNP rs2500244532, ClinGen allele CA387001658.